The following is an entry in ClinVar:

ClinVar aggregate classification (germline): Pathogenic (1 of 4 stars; one submission).

Conditions:
Arrhythmogenic cardiomyopathy with wooly hair and keratoderma. Also called: PALMOPLANTAR KERATODERMA WITH LEFT VENTRICULAR CARDIOMYOPATHY AND WOOLLY HAIR; Arrhythmogenic cardiomyopathy with woolly hair and keratoderma; Dilated cardiomyopathy with woolly hair and keratoderma; Carvajal syndrome. Identifiers: Orphanet 65282, MedGen C1854063, MONDO:0011581, OMIM 605676.
Arrhythmogenic right ventricular dysplasia 8 (ARVD8). Also called: Arrhythmogenic Right Ventricular Dysplasia/Cardiomyopathy 8; ARRHYTHMOGENIC RIGHT VENTRICULAR DYSPLASIA, FAMILIAL, 8; ARRHYTHMOGENIC RIGHT VENTRICULAR CARDIOMYOPATHY 8. Identifiers: MedGen C1843896, MONDO:0011831, OMIM 607450.

Submission:

Labcorp Genetics (formerly Invitae), Labcorp
Classification: Pathogenic for Arrhythmogenic cardiomyopathy with wooly hair and keratoderma; Arrhythmogenic right ventricular dysplasia 8. Last evaluated: 2021-09-17. Review status: criteria provided, single submitter. Criteria: Invitae Variant Classification Sherloc (09022015). Collection method: clinical testing. Allele origin: germline.
Comment: This sequence change creates a premature translational stop signal (p.Thr1436Leufs*14) in the DSP gene. It is expected to result in an absent or disrupted protein product. Loss-of-function variants in DSP are known to be pathogenic (PMID: 20716751, 24503780, 25227139). This variant is not present in population databases (ExAC no frequency). This variant has not been reported in the literature in individuals affected with DSP-related conditions. For these reasons, this variant has been classified as Pathogenic.

Literature cited by the submitters: PubMed 20716751; PubMed 24503780; PubMed 25227139.

NM_004415.4(DSP):c.4305_4311del (p.Thr1436fs)

Gene: DSP (desmoplakin; plus strand). Cytogenetic location: 6p24.3.
Variant type: Deletion.
Coding change: c.4305_4311del on transcript NM_004415.4 (MANE Select); coding-DNA positions 4305 to 4311, 7 bases deleted (CACTGGC; older notation c.4305_4311delCACTGGC).
Protein change: p.Thr1436fs; shifts the reading frame from threonine 1436.
Molecular consequence: frameshift variant. On other transcripts: intron variant (2).
Genome position (GRCh38, 1-based): chr6:7,580,495-7,580,501, CACTGGC deleted; deleting any 7 consecutive bases within chr6:7,580,492-7,580,501 gives the same sequence; the c. name uses the placement nearest the transcript's 3' end. VCF-style (leftmost placement, unchanged base first): chr6-7580491-AGGCCACT-A. GRCh37 (hg19) VCF-style: chr6-7580724-AGGCCACT-A.
Other names: c.4050+255_4050+261del (NM_001319034.2); c.3582+723_3582+729del (NM_001008844.3); short protein forms T1436fs.
Identifiers: ClinVar variation 1377754 (VCV001377754.6), dbSNP rs2113693785, ClinGen allele CA2573140805.
Genomic context (GRCh38, chr6:7,580,491, plus strand): 5'-ACACTCTAACCCAGACCACAGAGAATCTCAGGAGGGTGGAAGAAGACATCCAACAGCAAA[AGGCCACT>A]GGCTCTGAGGTGTCTCAGAGGAAACAGCAGCTGGAGGTTGAGCTGAGACAAGTCACTCAG-3'